The following is an entry in ClinVar:

ClinVar aggregate classification (germline): Uncertain significance (1 of 4 stars; one submission).

Conditions:
Cardiovascular phenotype. Identifiers: MedGen CN230736.

Allele frequency attached by ClinVar (database versions not stated): TOPMed below 0.00001; gnomAD 0.00001; gnomAD exomes 0.00002.
gnomAD v4.1: 23 of 1,612,876 alleles (0.0014%); highest among the groups gnomAD compares: Non-Finnish European, 0.0019%; no homozygotes.

Submission:

Ambry Genetics
Classification: Uncertain significance for Cardiovascular phenotype. Last evaluated: 2021-02-17. Review status: criteria provided, single submitter. Criteria: Ambry Variant Classification Scheme 2023. Collection method: clinical testing. Allele origin: germline.
Comment: The p.E1404K variant (also known as c.4210G>A), located in coding exon 8 of the ALMS1 gene, results from a G to A substitution at nucleotide position 4210. The glutamic acid at codon 1404 is replaced by lysine, an amino acid with similar properties. This amino acid position is not well conserved in available vertebrate species, and lysine is the reference amino acid in other vertebrate species. In addition, this alteration is predicted to be tolerated by in silico analysis. Since supporting evidence is limited at this time, the clinical significance of this alteration remains unclear.

NM_001378454.1(ALMS1):c.4207G>A (p.Glu1403Lys)

Gene: ALMS1 (ALMS1 centrosome and basal body associated protein; plus strand). Cytogenetic location: 2p13.1.
Variant type: single nucleotide variant.
Coding change: c.4207G>A on transcript NM_001378454.1 (MANE Select); coding-DNA position 4207, G replaced by A.
Protein change: p.Glu1403Lys; replaces glutamic acid 1403 with lysine.
Molecular consequence: missense variant.
Genome position (GRCh38, 1-based): chr2:73,450,734, G>A. VCF-style: chr2-73450734-G-A. GRCh37 (hg19) VCF-style: chr2-73677861-G-A.
Other names: c.4210G>A, p.Glu1404Lys (NM_015120.4); short protein forms E1403K, E1404K.
Identifiers: ClinVar variation 1738750 (VCV001738750.2), dbSNP rs1255608909, ClinGen allele CA347277729.
Genomic context (GRCh38, chr2:73,450,734, plus strand): 5'-CAACATACAGAGAAGCCGAGTATTTTCTACCAACAGTCGTTGCCAGGTAGTCATCTAACT[G>A]AAGAGGCTAAGAACGTTTCAGCGGTTCCTGGACCAGGTGACCGGAAGACTGGGATACCAA-3'
Protein context (NP_001365383.1, residues 1393-1413): QQSLPGSHLT[Glu1403Lys]EAKNVSAVPG